The following is an entry in ClinVar:

NM_005159.5(ACTC1):c.751A>G (p.Thr251Ala)

Genes: ACTC1 (actin alpha cardiac muscle 1; minus strand), GJD2-DT (GJD2 divergent transcript; plus strand). Cytogenetic location: 15q14.
Variant type: single nucleotide variant.
Coding change: c.751A>G on transcript NM_005159.5 (MANE Select); coding-DNA position 751, A replaced by G.
Protein change: p.Thr251Ala; replaces threonine 251 with alanine.
Molecular consequence: missense variant.
Genome position (GRCh38, 1-based): chr15:34,792,147, T>C on the plus strand (A>G on the coding strand, the complement: ACTC1 is on the minus strand). VCF-style: chr15-34792147-T-C. GRCh37 (hg19) VCF-style: chr15-35084348-T-C.
Other names: c.751A>G (LRG_388t1); short protein forms T251A.
Identifiers: ClinVar variation 180256 (VCV000180256.7), dbSNP rs730880039, ClinGen allele CA019889.

ClinVar aggregate classification (germline): Conflicting classifications of pathogenicity. Review status: criteria provided, conflicting classifications (1 of 4 stars). 3 submissions from 3 submitters: Likely pathogenic (1); Uncertain significance (2). Last evaluated 2024-11-25.

Conditions:
ACTC1-related disorder. Also called: ACTC1-related condition.
Cardiovascular phenotype. Identifiers: MedGen CN230736.

Submissions (3):

Blueprint Genetics
Classification: Likely pathogenic for ACTC1-related disorders. Last evaluated: 2024-11-25. Review status: criteria provided, single submitter. Criteria: ACMG Guidelines, 2015. Collection method: clinical testing. Allele origin: germline. Affected: yes. Observed: 2 variant alleles.

ARUP Laboratories, Molecular Genetics and Genomics, ARUP Laboratories
Classification: Uncertain significance. Last evaluated: 2023-12-27. Review status: criteria provided, single submitter. Criteria: ARUP Molecular Germline Variant Investigation Process 2024. Collection method: clinical testing. Allele origin: germline.
Comment: The ACTC1 c.751A>G; p.Thr251Ala variant (rs730880039), to our knowledge, is not reported in the medical literature but is reported in ClinVar (Variation ID: 180256). This variant is absent from the Genome Aggregation Database (v2.1.1). indicating it is not a common polymorphism. Computational analyses predict that this variant is deleterious (REVEL: 0.922). Due to limited information, the clinical significance of this variant is uncertain at this time.

Ambry Genetics
Classification: Uncertain significance for Cardiovascular phenotype. Last evaluated: 2017-12-12. Review status: criteria provided, single submitter. Criteria: Ambry Variant Classification Scheme 2023. Collection method: clinical testing. Allele origin: germline.
Comment: The p.T251A variant (also known as c.751A>G), located in coding exon 4 of the ACTC1 gene, results from an A to G substitution at nucleotide position 751. The threonine at codon 251 is replaced by alanine, an amino acid with similar properties. This amino acid position is highly conserved in available vertebrate species. In addition, this alteration is predicted to be deleterious by in silico analysis. Since supporting evidence is limited at this time, the clinical significance of this alteration remains unclear.